The following is an entry in ClinVar:

ClinVar aggregate classification (germline): Uncertain significance (1 of 4 stars; one submission).

Conditions:
Neuropathy, hereditary sensory and autonomic, type 2A (HSAN2A). Also called: HSAN IIA; WNK1-Related HSAN2 (HSAN2A); MORVAN DISEASE; NEUROPATHY, CONGENITAL SENSORY; NEUROPATHY, HEREDITARY SENSORY RADICULAR, AUTOSOMAL RECESSIVE; NEUROPATHY, HEREDITARY SENSORY, TYPE IIA. Identifiers: Orphanet 970, MedGen C2752089, MONDO:0024309, OMIM 201300.
Generalized epilepsy with febrile seizures plus, type 7 (GEFSP7). Also called: GEFS+, TYPE 7. Identifiers: Orphanet 36387, MedGen C2751778, MONDO:0013470, OMIM 613863.

Submission:

Labcorp Genetics (formerly Invitae), Labcorp
Classification: Uncertain significance for Neuropathy, hereditary sensory and autonomic, type 2A; Generalized epilepsy with febrile seizures plus, type 7. Last evaluated: 2025-09-16. Review status: criteria provided, single submitter. Criteria: Invitae Variant Classification Sherloc (09022015). Collection method: clinical testing. Allele origin: germline.
Comment: This sequence change replaces glutamic acid, which is acidic and polar, with glutamine, which is neutral and polar, at codon 1589 of the SCN9A protein (p.Glu1589Gln). This variant is not present in population databases (gnomAD no frequency). This variant has not been reported in the literature in individuals affected with SCN9A-related conditions. Invitae Evidence Modeling of protein sequence and biophysical properties (such as structural, functional, and spatial information, amino acid conservation, physicochemical variation, residue mobility, and thermodynamic stability) indicates that this missense variant is not expected to disrupt SCN9A protein function with a negative predictive value of 95%. In summary, the available evidence is currently insufficient to determine the role of this variant in disease. Therefore, it has been classified as a Variant of Uncertain Significance.

NM_001365536.1(SCN9A):c.4798G>C (p.Glu1600Gln)

Genes: SCN9A (sodium voltage-gated channel alpha subunit 9; minus strand), SCN1A-AS1 (SCN1A and SCN9A antisense RNA 1; plus strand). Cytogenetic location: 2q24.3.
Variant type: single nucleotide variant.
Coding change: c.4798G>C on transcript NM_001365536.1 (MANE Select); coding-DNA position 4798, G replaced by C.
Protein change: p.Glu1600Gln; replaces glutamic acid 1600 with glutamine.
Molecular consequence: missense variant.
Genome position (GRCh38, 1-based): chr2:166,199,841, C>G on the plus strand (G>C on the coding strand, the complement: SCN9A is on the minus strand). VCF-style: chr2-166199841-C-G. GRCh37 (hg19) VCF-style: chr2-167056351-C-G.
Other names: c.4765G>C, p.Glu1589Gln (NM_002977.4); short protein forms E1600Q, E1589Q.
Identifiers: ClinVar variation 4793134 (VCV004793134.1).